The following is an entry in ClinVar:

ClinVar aggregate classification (germline): Uncertain significance (1 of 4 stars; one submission).

Conditions:
Hypertrophic cardiomyopathy 10. Also called: MYL2-Related Familial Hypertrophic Cardiomyopathy; CARDIOMYOPATHY, HYPERTROPHIC, MID-LEFT VENTRICULAR CHAMBER TYPE, 2. Identifiers: MedGen C1834460, MONDO:0012112, OMIM 608758.

Submission:

Labcorp Genetics (formerly Invitae), Labcorp
Classification: Uncertain significance for Hypertrophic cardiomyopathy 10. Last evaluated: 2024-09-06. Review status: criteria provided, single submitter. Criteria: Invitae Variant Classification Sherloc (09022015). Collection method: clinical testing. Allele origin: germline.
Comment: This sequence change replaces valine, which is neutral and non-polar, with leucine, which is neutral and non-polar, at codon 113 of the MYL2 protein (p.Val113Leu). This variant is not present in population databases (gnomAD no frequency). This variant has not been reported in the literature in individuals affected with MYL2-related conditions. An algorithm developed to predict the effect of missense changes on protein structure and function (PolyPhen-2) suggests that this variant is likely to be tolerated. In summary, the available evidence is currently insufficient to determine the role of this variant in disease. Therefore, it has been classified as a Variant of Uncertain Significance.

NM_000432.4(MYL2):c.337G>C (p.Val113Leu)

Gene: MYL2 (myosin light chain 2; minus strand). Cytogenetic location: 12q24.11.
Variant type: single nucleotide variant.
Coding change: c.337G>C on transcript NM_000432.4 (MANE Select); coding-DNA position 337, G replaced by C.
Protein change: p.Val113Leu; replaces valine 113 with leucine.
Molecular consequence: missense variant.
Genome position (GRCh38, 1-based): chr12:110,913,262, C>G on the plus strand (G>C on the coding strand, the complement: MYL2 is on the minus strand). VCF-style: chr12-110913262-C-G. GRCh37 (hg19) VCF-style: chr12-111351066-C-G.
Other names: c.295G>C, p.Val99Leu (NM_001406745.1); c.280G>C, p.Val94Leu (NM_001406916.1); short protein forms V113L, V94L, V99L.
Identifiers: ClinVar variation 3664938 (VCV003664938.2).
Genomic context (GRCh38, chr12:110,913,262, plus strand): 5'-GGGCAAGCAGGGAACCCCCTTCCTCCCCCACAGACCCCACTCACTAATCAGCCTTCAGCA[C>G]CCCTTTGCCTTCAGGGTCAAACACTTTGAATGCGTTGAGAATGGTTTCCTCAGGGTCCGC-3'
Protein context (NP_000423.2, residues 103-123): FKVFDPEGKG[Val113Leu]LKADYVREML